The following is an entry in ClinVar:

ClinVar aggregate classification (germline): Pathogenic (3 of 4 stars; one submission).

Conditions:
Juvenile retinoschisis (RS1). Also called: X-linked retinoschisis; X-Linked Juvenile Retinoschisis. Identifiers: Orphanet 792, MedGen C3714753, MONDO:0010725, OMIM 312700.

Submission:

ClinGen X-linked Inherited Retinal Disease Variant Curation Expert Panel, ClinGen
Classification: Pathogenic for Juvenile retinoschisis. Last evaluated: 2025-09-23. Review status: reviewed by expert panel. Criteria: ClinGen X LinkedIRD ACMG Specifications RS1 V1.0.0. Collection method: curation. Allele origin: germline. Inheritance: X-linked inheritance.
Comment: NM_000330.4(RS1):c.581T>A (p.Ile194Asn) is a missense variant encoding the substitution of isoleucine with asparagine at position 194. This variant is absent from hemizygous individuals in gnomAD v4.1.0 (PM2_Supporting). This variant has been reported in at least 2 apparently unrelated probands meeting the PS4 requirement of a male diagnosed with X-linked retinoschisis (PMID: 29739629, PMID: 19324861, PS4_Supporting). At least one proband harboring this variant exhibits a phenotype including appearance of schisis and reduced visual acuity before age 13 years, and showing retinal detachment, which together are highly specific for X-linked retinoschisis (PMID: 32300273, PP4_Moderate). The variant has been reported to segregate with affected status through 3 meioses within 1 family (PP1_Strong; PMID: 24505212). The computational predictor REVEL gives a score of 0.956, which is above the ClinGen X-linked IRD VCEP threshold of >0.932 and predicts a damaging effect on RS1 function (PP3_Strong). The computational splicing predictor SpliceAI gives a delta score of 0.00 for all predictive splice changes, which is below the ClinGen X-linked IRD VCEP threshold of >0.2 and does not predict that the variant disrupts RS1 splicing. In summary, this variant is classified as pathogenic for X-linked retinoschisis based on the ClinGen X-linked Inherited Retinal Disease Expert Panel Specifications to the ACMG/AMP Variant Interpretation Guidelines for RS1 Version 1.0.0: PM2_Supporting, PP3_Strong, PP1_Strong, PP4_Moderate, and PS4_Supporting.

NM_000330.4(RS1):c.581T>A (p.Ile194Asn)

Genes: CDKL5 (cyclin dependent kinase like 5; plus strand), RS1 (retinoschisin 1; minus strand). Cytogenetic location: Xp22.13.
Variant type: single nucleotide variant.
Coding change: c.581T>A on transcript NM_000330.4 (MANE Select); coding-DNA position 581, T replaced by A.
Protein change: p.Ile194Asn; replaces isoleucine 194 with asparagine.
Molecular consequence: missense variant. On other transcripts: intron variant (2).
Genome position (GRCh38, 1-based): chrX:18,642,098, A>T on the plus strand (T>A on the coding strand, the complement: RS1 is on the minus strand). VCF-style: chrX-18642098-A-T. GRCh37 (hg19) VCF-style: chrX-18660218-A-T.
Other names: NM_003159.3:c.2714-3909A>T; c.2714-3909A>T (NM_003159.3, NM_001037343.2); short protein forms I194N.
Identifiers: ClinVar variation 4279580 (VCV004279580.1).
Genomic context (GRCh38, chrX:18,642,098, plus strand): 5'-ATCCGGATGGCAATGCGGACGTGCCAGCCCAGCGGGATGAGGCGGATGAAGCGGGAGATG[A>T]TGGGGGGCCGCAGCAGGTTCTGAACCGTGGAGGTGCGGTCCGAGTTGCCATAGAAGACCT-3'
Protein context (NP_000321.1, residues 184-204): STVQNLLRPP[Ile194Asn]ISRFIRLIPL